The following is an entry in ClinVar:

NM_001007228.2(SPOP):c.405A>T (p.Lys135Asn)

Gene: SPOP (speckle type BTB/POZ protein; minus strand). Cytogenetic location: 17q21.33.
Variant type: single nucleotide variant.
Coding change: c.405A>T on transcript NM_001007228.2 (MANE Select); coding-DNA position 405, A replaced by T.
Protein change: p.Lys135Asn; replaces lysine 135 with asparagine.
Molecular consequence: missense variant.
Genome position (GRCh38, 1-based): chr17:49,619,056, T>A on the plus strand (A>T on the coding strand, the complement: SPOP is on the minus strand). VCF-style: chr17-49619056-T-A. GRCh37 (hg19) VCF-style: chr17-47696418-T-A.
Other names: c.405A>T, p.Lys135Asn (NM_001007226.1, NM_001007227.1, NM_001007229.1 and 5 more transcripts); short protein forms K135N.
Identifiers: ClinVar variation 1302304 (VCV001302304.2), dbSNP rs2143263036, ClinGen allele CA400156674.

ClinVar aggregate classification (germline): Uncertain significance (1 of 4 stars; one submission).

Submission:

GeneDx
Classification: Uncertain significance. Last evaluated: 2019-07-21. Review status: criteria provided, single submitter. Criteria: GeneDx Variant Classification Process June 2021. Collection method: clinical testing. Allele origin: germline. Affected: yes.
Comment: Not observed in large population cohorts (Lek et al., 2016); In silico analysis, which includes protein predictors and evolutionary conservation, supports a deleterious effect; Has not been previously published as pathogenic or benign to our knowledge; Variants in candidate genes are classified as variants of uncertain significance in accordance with ACMG guidelines (Richards et al., 2015)